The following is an entry in ClinVar:

ClinVar aggregate classification (germline): Conflicting classifications of pathogenicity. Review status: criteria provided, conflicting classifications (1 of 4 stars). 3 submissions from 3 submitters: Pathogenic (2); Uncertain significance (1). Last evaluated 2024-01-30.

Conditions:
Early-infantile DEE. Also called: Early infantile epileptic encephalopathy; Early infantile epileptic encephalopathy with suppression bursts; Ohtahara syndrome. Identifiers: Orphanet 1934, MedGen C0393706, MONDO:0800491.
Generalized epilepsy with febrile seizures plus, type 2 (GEFSP2). Also called: GEFS+, TYPE 2. Identifiers: Orphanet 36387, MedGen C1858673, MONDO:0011461, OMIM 604403.
Severe myoclonic epilepsy in infancy (DRVT). Also called: Dravet syndrome; Epileptic encephalopathy, early infantile, 6 (Dravet syndrome); SEVERE MYOCLONIC EPILEPSY OF INFANCY; DEVELOPMENTAL AND EPILEPTIC ENCEPHALOPATHY 6A; Severe Myoclonic Epilepsy in Infancy (SMEI). Identifiers: Orphanet 33069, MedGen C0751122, MONDO:0100135, OMIM 607208.

Submissions (3):

Institute of Human Genetics, University of Leipzig Medical Center
Classification: Pathogenic for Severe myoclonic epilepsy in infancy. Last evaluated: 2024-01-30. Review status: criteria provided, single submitter. Criteria: ACMG Guidelines, 2015. Collection method: clinical testing. Allele origin: unknown. Inheritance: Autosomal dominant inheritance. Affected: yes.
Comment: Criteria applied: PVS1,PS4_MOD,PM2_SUP

Labcorp Genetics (formerly Invitae), Labcorp
Classification: Pathogenic for Early-infantile DEE. Last evaluated: 2022-07-22. Review status: criteria provided, single submitter. Criteria: Invitae Variant Classification Sherloc (09022015). Collection method: clinical testing. Allele origin: germline.
Comment: For these reasons, this variant has been classified as Pathogenic. This variant disrupts a region of the SCN1A protein in which other variant(s) (p.Arg1886*) have been determined to be pathogenic (PMID: 17054684, 18930999). This suggests that this is a clinically significant region of the protein, and that variants that disrupt it are likely to be disease-causing. This premature translational stop signal has been observed in individual(s) with early-onset epileptic encephalopathy (PMID: 12821740; Invitae). In at least one individual the variant was observed to be de novo. This variant is not present in population databases (gnomAD no frequency). This sequence change creates a premature translational stop signal (p.Tyr1628*) in the SCN1A gene. While this is not anticipated to result in nonsense mediated decay, it is expected to disrupt the last 382 amino acid(s) of the SCN1A protein.

Neuberg Centre For Genomic Medicine, NCGM
Classification: Uncertain significance for Generalized epilepsy with febrile seizures plus, type 2. Review status: criteria provided, single submitter. Criteria: ACMG Guidelines, 2015. Collection method: clinical testing. Allele origin: germline. Affected: yes.
Comment: This variant has not been reported in affected individuals. The nucleotide change in SCN1A is predicted as conserved by PhyloP across 100 vertebrates. The variant is novel (not in any individuals) in gnomAD Exomes and 1000 Genomes. The variant is a loss of function variant but since it is present in the last exon, functional studies will be required to prove protein truncation. Hence this variant has been classified as Uncertain Significance.

Literature cited by the submitters: PubMed 17054684 (cited by Labcorp Genetics (formerly Invitae), Labcorp); PubMed 18930999 (cited by Labcorp Genetics (formerly Invitae), Labcorp); PubMed 12821740 (cited by Labcorp Genetics (formerly Invitae), Labcorp).

NM_001165963.4(SCN1A):c.4884T>A (p.Tyr1628Ter)

Genes: SCN1A (sodium voltage-gated channel alpha subunit 1; minus strand), LOC102724058 (uncharacterized LOC102724058; plus strand). Cytogenetic location: 2q24.3.
Variant type: single nucleotide variant.
Coding change: c.4884T>A on transcript NM_001165963.4 (MANE Select); coding-DNA position 4884, T replaced by A.
Protein change: p.Tyr1628Ter; replaces tyrosine 1628 with a stop codon.
Molecular consequence: nonsense. On other transcripts: non-coding transcript variant (1).
Genome position (GRCh38, 1-based): chr2:165,992,391, A>T on the plus strand (T>A on the coding strand, the complement: SCN1A is on the minus strand). VCF-style: chr2-165992391-A-T. GRCh37 (hg19) VCF-style: chr2-166848901-A-T.
Other names: c.4800T>A, p.Tyr1600Ter (NM_001165964.3, NM_001353957.2, NM_001353958.2); c.4884T>A, p.Tyr1628Ter (NM_001202435.3, NM_001353948.2); c.4851T>A, p.Tyr1617Ter (NM_001353949.2, NM_001353950.2, NM_001353951.2 and 2 more transcripts); c.4848T>A, p.Tyr1616Ter (NM_001353954.2, NM_001353955.2); c.4797T>A, p.Tyr1599Ter (NM_001353960.2); c.2442T>A, p.Tyr814Ter (NM_001353961.2); short protein forms Y1616*, Y814*, Y1599*, Y1628*, Y1617*, Y1600*.
Identifiers: ClinVar variation 1878549 (VCV001878549.7), dbSNP rs2468341232, ClinGen allele CA349070551.